The following is an entry in ClinVar:

ClinVar aggregate classification (germline): Uncertain significance (1 of 4 stars; one submission).

Submission:

Labcorp Genetics (formerly Invitae), Labcorp
Classification: Uncertain significance. Last evaluated: 2025-03-17. Review status: criteria provided, single submitter. Criteria: Invitae Variant Classification Sherloc (09022015). Collection method: clinical testing. Allele origin: germline.
Comment: This sequence change replaces glutamine, which is neutral and polar, with leucine, which is neutral and non-polar, at codon 487 of the SLC45A2 protein (p.Gln487Leu). This variant is not present in population databases (gnomAD no frequency). This variant has not been reported in the literature in individuals affected with SLC45A2-related conditions. ClinVar contains an entry for this variant (Variation ID: 1402930). Invitae Evidence Modeling of protein sequence and biophysical properties (such as structural, functional, and spatial information, amino acid conservation, physicochemical variation, residue mobility, and thermodynamic stability) indicates that this missense variant is expected to disrupt SLC45A2 protein function with a positive predictive value of 80%. In summary, the available evidence is currently insufficient to determine the role of this variant in disease. Therefore, it has been classified as a Variant of Uncertain Significance.

NM_016180.5(SLC45A2):c.1460A>T (p.Gln487Leu)

Gene: SLC45A2 (solute carrier family 45 member 2; minus strand). Cytogenetic location: 5p13.2.
Variant type: single nucleotide variant.
Coding change: c.1460A>T on transcript NM_016180.5 (MANE Select); coding-DNA position 1460, A replaced by T.
Protein change: p.Gln487Leu; replaces glutamine 487 with leucine.
Molecular consequence: missense variant.
Genome position (GRCh38, 1-based): chr5:33,944,781, T>A on the plus strand (A>T on the coding strand, the complement: SLC45A2 is on the minus strand). VCF-style: chr5-33944781-T-A. GRCh37 (hg19) VCF-style: chr5-33944886-T-A.
Other names: short protein forms Q487L.
Identifiers: ClinVar variation 1402930 (VCV001402930.8), dbSNP rs2111893057, ClinGen allele CA359387243.
Genomic context (GRCh38, chr5:33,944,781, plus strand): 5'-ACGACGACAACGGTCCCGGCTGTGTTGACCAGAAAGCCCAGGCCACCTCCGACCAGGATC[T>A]GAGCCAGCTGCACCATGCATGTGAGGGTGGCGCAGTCCATGCCCTTCCCTCTCACGCTGT-3'
Protein context (NP_057264.4, residues 477-497): ATLTCMVQLA[Gln487Leu]ILVGGGLGFL